The following is an entry in ClinVar:

ClinVar aggregate classification (germline): Uncertain significance (1 of 4 stars; one submission).

Submission:

GeneDx
Classification: Uncertain significance. Last evaluated: 2024-02-11. Review status: criteria provided, single submitter. Criteria: GeneDx Variant Classification Process June 2021. Collection method: clinical testing. Allele origin: germline. Affected: yes.
Comment: Not observed at significant frequency in large population cohorts (gnomAD); In silico analysis supports that this missense variant has a deleterious effect on protein structure/function; Has not been previously published as pathogenic or benign to our knowledge

NM_002816.5(PSMD12):c.803A>C (p.Lys268Thr)

Gene: PSMD12 (proteasome 26S subunit, non-ATPase 12; minus strand). Cytogenetic location: 17q24.2.
Variant type: single nucleotide variant.
Coding change: c.803A>C on transcript NM_002816.5 (MANE Select); coding-DNA position 803, A replaced by C.
Protein change: p.Lys268Thr; replaces lysine 268 with threonine.
Molecular consequence: missense variant.
Genome position (GRCh38, 1-based): chr17:67,345,850, T>G on the plus strand (A>C on the coding strand, the complement: PSMD12 is on the minus strand). VCF-style: chr17-67345850-T-G. GRCh37 (hg19) VCF-style: chr17-65341966-T-G.
Other names: c.626A>C, p.Lys209Thr (NM_001316341.2); c.743A>C, p.Lys248Thr (NM_174871.4); short protein forms K209T, K248T, K268T.
Identifiers: ClinVar variation 3368714 (VCV003368714.1).